The following is an entry in ClinVar:

NM_005076.5(CNTN2):c.3013+5T>A

Genes: CNTN2 (contactin 2; plus strand), LOC126805985 (MED14-independent group 3 enhancer GRCh37_chr1:205041546-205042745; plus strand). Cytogenetic location: 1q32.1.
Variant type: single nucleotide variant.
Coding change: c.3013+5T>A on transcript NM_005076.5 (MANE Select); 5 bases into the intron after coding-DNA position 3013, T replaced by A.
Molecular consequence: intron variant.
Genome position (GRCh38, 1-based): chr1:205,073,241, T>A. VCF-style: chr1-205073241-T-A. GRCh37 (hg19) VCF-style: chr1-205042369-T-A.
Other names: c.3013+5T>A (NM_001346083.2).
Identifiers: ClinVar variation 1008479 (VCV001008479.10), dbSNP rs764921795, ClinGen allele CA36376887.

ClinVar aggregate classification (germline): Uncertain significance (1 of 4 stars; one submission).

Conditions:
Epilepsy, familial adult myoclonic, 5 (EPEO5). Also called: CORTICAL MYOCLONIC TREMOR WITH EPILEPSY, FAMILIAL, 5. Identifiers: Orphanet 86814, MedGen C3809374, MONDO:0014167, OMIM 615400.

Allele frequency attached by ClinVar (database versions not stated): gnomAD 0.00001; gnomAD exomes 0.00001; TOPMed 0.00001.
gnomAD v4.1: 20 of 1,613,524 alleles (0.0012%); highest among the groups gnomAD compares: Non-Finnish European, 0.0016%; no homozygotes.

Submission:

Labcorp Genetics (formerly Invitae), Labcorp
Classification: Uncertain significance for Epilepsy, familial adult myoclonic, 5. Last evaluated: 2020-01-31. Review status: criteria provided, single submitter. Criteria: Invitae Variant Classification Sherloc (09022015). Collection method: clinical testing. Allele origin: germline.
Comment: In summary, the available evidence is currently insufficient to determine the role of this variant in disease. Therefore, it has been classified as a Variant of Uncertain Significance. Nucleotide substitutions within the consensus splice site are a relatively common cause of aberrant splicing (PMID: 17576681, 9536098). Algorithms developed to predict the effect of sequence changes on RNA splicing suggest that this variant may disrupt the consensus splice site, but this prediction has not been confirmed by published transcriptional studies. This variant has not been reported in the literature in individuals with CNTN2-related conditions. This variant is not present in population databases (ExAC no frequency). This sequence change falls in intron 22 of the CNTN2 gene. It does not directly change the encoded amino acid sequence of the CNTN2 protein, but it affects a nucleotide within the consensus splice site of the intron.

Literature cited by the submitters: PubMed 17576681; PubMed 9536098.